The following is an entry in ClinVar:

NM_001267550.2(TTN):c.106006T>G (p.Tyr35336Asp)

Genes: TTN (titin; minus strand), TTN-AS1 (TTN antisense RNA 1; plus strand), LOC129935182 (ATAC-STARR-seq lymphoblastoid active region 16807; plus strand). Cytogenetic location: 2q31.2.
Variant type: single nucleotide variant.
Coding change: c.106006T>G on transcript NM_001267550.2 (MANE Select); coding-DNA position 106006, T replaced by G.
Protein change: p.Tyr35336Asp; replaces tyrosine 35336 with aspartic acid.
Molecular consequence: missense variant.
Genome position (GRCh38, 1-based): chr2:178,530,609, A>C on the plus strand (T>G on the coding strand, the complement: TTN is on the minus strand). VCF-style: chr2-178530609-A-C. GRCh37 (hg19) VCF-style: chr2-179395336-A-C.
Other names: c.101083T>G, p.Tyr33695Asp (NM_001256850.1); c.78811T>G, p.Tyr26271Asp (NM_003319.4); c.98302T>G, p.Tyr32768Asp (NM_133378.4); c.79186T>G, p.Tyr26396Asp (NM_133432.3); c.79387T>G, p.Tyr26463Asp (NM_133437.4); short protein forms Y26463D, Y35336D, Y26271D, Y26396D, Y32768D, Y33695D.
Identifiers: ClinVar variation 1505993 (VCV001505993.4), dbSNP rs935907208, ClinGen allele CA60953516.

ClinVar aggregate classification (germline): Uncertain significance (1 of 4 stars; one submission).

Conditions:
Dilated cardiomyopathy 1G (CMD1G). Identifiers: Orphanet 154, MedGen C1858763, MONDO:0011400, OMIM 604145.
Autosomal recessive limb-girdle muscular dystrophy type 2J (LGMDR10). Also called: MUSCULAR DYSTROPHY, LIMB-GIRDLE, AUTOSOMAL RECESSIVE 10; Limb-girdle muscular dystrophy, type 2J. Identifiers: Orphanet 140922, MedGen C1837342, MONDO:0012127, OMIM 608807.

gnomAD v4.1: 1 of 1,614,040 alleles (0.000062%); highest among the groups gnomAD compares: Non-Finnish European, 0.000085%; no homozygotes.

Submission:

Labcorp Genetics (formerly Invitae), Labcorp
Classification: Uncertain significance for Dilated cardiomyopathy 1G; Autosomal recessive limb-girdle muscular dystrophy type 2J. Last evaluated: 2025-09-22. Review status: criteria provided, single submitter. Criteria: Invitae Variant Classification Sherloc (09022015). Collection method: clinical testing. Allele origin: germline.
Comment: This sequence change replaces tyrosine, which is neutral and polar, with aspartic acid, which is acidic and polar, at codon 35336 of the TTN protein (p.Tyr35336Asp). This variant is not present in population databases (gnomAD no frequency). This variant has not been reported in the literature in individuals affected with TTN-related conditions. ClinVar contains an entry for this variant (Variation ID: 1505993). Experimental studies and prediction algorithms are not available or were not evaluated, and the functional significance of this variant is currently unknown. This variant is located in the M band of TTN (PMID: 25589632). Non-truncating variants in this region may be relevant for neuromuscular disorders, but have not been definitively shown to cause cardiomyopathy (PMID: 23975875). In summary, the available evidence is currently insufficient to determine the role of this variant in disease. Therefore, it has been classified as a Variant of Uncertain Significance.

Literature cited by the submitters: PubMed 25589632; PubMed 23975875.